The following is an entry in ClinVar:

ClinVar aggregate classification (germline): Uncertain significance (1 of 4 stars; one submission).

Submission:

Labcorp Genetics (formerly Invitae), Labcorp
Classification: Uncertain significance. Last evaluated: 2024-10-18. Review status: criteria provided, single submitter. Criteria: Invitae Variant Classification Sherloc (09022015). Collection method: clinical testing. Allele origin: germline.
Comment: This sequence change replaces isoleucine, which is neutral and non-polar, with serine, which is neutral and polar, at codon 87 of the IFITM5 protein (p.Ile87Ser). This variant is present in population databases (rs768301470, gnomAD 0.0009%). This variant has not been reported in the literature in individuals affected with IFITM5-related conditions. An algorithm developed to predict the effect of missense changes on protein structure and function (PolyPhen-2) suggests that this variant is likely to be disruptive. In summary, the available evidence is currently insufficient to determine the role of this variant in disease. Therefore, it has been classified as a Variant of Uncertain Significance.

NM_001025295.3(IFITM5):c.260T>G (p.Ile87Ser)

Gene: IFITM5 (interferon induced transmembrane protein 5; minus strand). Cytogenetic location: 11p15.5.
Variant type: single nucleotide variant.
Coding change: c.260T>G on transcript NM_001025295.3 (MANE Select); coding-DNA position 260, T replaced by G.
Protein change: p.Ile87Ser; replaces isoleucine 87 with serine.
Molecular consequence: missense variant.
Genome position (GRCh38, 1-based): chr11:298,640, A>C on the plus strand (T>G on the coding strand, the complement: IFITM5 is on the minus strand). VCF-style: chr11-298640-A-C. GRCh37 (hg19) VCF-style: chr11-298640-A-C.
Other names: short protein forms I87S.
Identifiers: ClinVar variation 3715055 (VCV003715055.2).